The following is an entry in ClinVar:

ClinVar aggregate classification (germline): Conflicting classifications of pathogenicity. Review status: criteria provided, conflicting classifications (1 of 4 stars). 9 submissions from 8 submitters: Uncertain significance (2); Likely benign (6). 1 of the submissions does not count toward it. Last evaluated 2026-08-01.

Conditions:
Martsolf syndrome (MARTS). Also called: Congenital cataract with intellectual disability and hypogonadotropic hypogonadism syndrome. Identifiers: Orphanet 1387, MedGen C0796037, MONDO:0023910.
Warburg micro syndrome 2 (WARBM2). Also called: MICRO SYNDROME 2. Identifiers: Orphanet 2510, MedGen C3280214, MONDO:0013641, OMIM 614225.
RAB3GAP2-related disorder. Also called: RAB3GAP2-related condition; RAB3GAP2-related disorders.

Allele frequency attached by ClinVar (database versions not stated): 1000 Genomes Project 0.00020; 1000 Genomes Project 30x 0.00031; gnomAD 0.00045 and 0.00046; gnomAD exomes 0.00048 and 0.00055; ExAC 0.00054; TOPMed 0.00057; ESP Exome Variant Server 0.00100.
gnomAD v4.1: 873 of 1,613,994 alleles (0.054%); highest among the groups gnomAD compares: Non-Finnish European, 0.068%; no homozygotes.

Submissions (9):

CeGaT Center for Human Genetics Tuebingen
Classification: Likely benign. Last evaluated: 2026-08-01. Review status: criteria provided, single submitter. Criteria: CeGaT Center For Human Genetics Tuebingen Variant Classification Criteria Version 2. Collection method: clinical testing. Allele origin: germline. Affected: yes. Observed: 5 variant alleles.
Comment: RAB3GAP2: BP4, BP7

Labcorp Genetics (formerly Invitae), Labcorp
Classification: Likely benign for Martsolf syndrome; Warburg micro syndrome 2. Last evaluated: 2026-01-28. Review status: criteria provided, single submitter. Criteria: Invitae Variant Classification Sherloc (09022015). Collection method: clinical testing. Allele origin: germline.

Laboratory of Genetics, Children's Clinical University Hospital Latvia
Classification: Likely benign. Last evaluated: 2025-02-16. Review status: criteria provided, single submitter. Criteria: ACMG Guidelines, 2015. Collection method: clinical testing. Allele origin: germline. Affected: yes.

Blueprint Genetics
Classification: Likely benign. Last evaluated: 2024-11-04. Review status: criteria provided, single submitter. Criteria: ACMG Guidelines, 2015. Collection method: clinical testing. Allele origin: germline.

GeneDx
Classification: Likely benign. Last evaluated: 2018-05-04. Review status: criteria provided, single submitter. Criteria: GeneDx Variant Classification Process June 2021. Collection method: clinical testing. Allele origin: germline. Affected: yes.

Illumina Laboratory Services, Illumina
Classification: Uncertain significance for Martsolf syndrome 1. Last evaluated: 2018-01-12. Review status: criteria provided, single submitter. Criteria: ICSL Variant Classification Criteria 13 December 2019. Collection method: clinical testing. Allele origin: germline.

Illumina Laboratory Services, Illumina
Classification: Uncertain significance for Warburg micro syndrome 2. Last evaluated: 2018-01-12. Review status: criteria provided, single submitter. Criteria: ICSL Variant Classification Criteria 13 December 2019. Collection method: clinical testing. Allele origin: germline.

Genetic Services Laboratory, University of Chicago
Classification: Likely benign. Last evaluated: 2016-11-01. Review status: criteria provided, single submitter. Criteria: ACMG Guidelines, 2015. Collection method: clinical testing. Allele origin: germline. Affected: no.

PreventionGenetics, part of Exact Sciences
Classification: Likely benign for RAB3GAP2-related condition. Last evaluated: 2024-05-02. Review status: no assertion criteria provided. Collection method: clinical testing. Allele origin: germline. Not counted in ClinVar's aggregate classification.
Comment: This variant is classified as likely benign based on ACMG/AMP sequence variant interpretation guidelines (Richards et al. 2015 PMID: 25741868, with internal and published modifications).

NM_012414.4(RAB3GAP2):c.3390G>A (p.Ala1130=)

Gene: RAB3GAP2 (RAB3 GTPase activating non-catalytic protein subunit 2; minus strand). Cytogenetic location: 1q41.
Variant type: single nucleotide variant.
Coding change: c.3390G>A on transcript NM_012414.4 (MANE Select); coding-DNA position 3390, G replaced by A.
Protein change: p.Ala1130=; no amino-acid change (alanine 1130 retained).
Molecular consequence: synonymous variant.
Genome position (GRCh38, 1-based): chr1:220,157,435, C>T on the plus strand (G>A on the coding strand, the complement: RAB3GAP2 is on the minus strand). VCF-style: chr1-220157435-C-T. GRCh37 (hg19) VCF-style: chr1-220330777-C-T.
Identifiers: ClinVar variation 295642 (VCV000295642.42), dbSNP rs140377995, ClinGen allele CA1402130.